The following is an entry in ClinVar:

NM_001197104.2(KMT2A):c.5533C>A (p.His1845Asn)

Gene: KMT2A (lysine methyltransferase 2A; plus strand). Cytogenetic location: 11q23.3.
Variant type: single nucleotide variant.
Coding change: c.5533C>A on transcript NM_001197104.2 (MANE Select); coding-DNA position 5533, C replaced by A.
Protein change: p.His1845Asn; replaces histidine 1845 with asparagine.
Molecular consequence: missense variant.
Genome position (GRCh38, 1-based): chr11:118,495,869, C>A. VCF-style: chr11-118495869-C-A. GRCh37 (hg19) VCF-style: chr11-118366584-C-A.
Other names: c.5623C>A, p.His1875Asn (NM_001412597.1); c.5524C>A, p.His1842Asn (NM_005933.4); short protein forms H1842N, H1845N, H1875N.
Identifiers: ClinVar variation 2137258 (VCV002137258.4), dbSNP rs956060199, ClinGen allele CA229533798.
Genomic context (GRCh38, chr11:118,495,869, plus strand): 5'-AAAATCATTCCAGCTCCCAAACCCAAAGGTCCTGGAGAACCAGACTCACCAACTCCTCTG[C>A]ATCCTCCTACACCACCAATTTTGAGTAAGCCACCAAAAGGAGAGTCGTCACCCATTTCCC-3'
Protein context (NP_001184033.1, residues 1835-1855): PGEPDSPTPL[His1845Asn]PPTPPILSTD

ClinVar aggregate classification (germline): Uncertain significance (1 of 4 stars; one submission).

Allele frequency attached by ClinVar (database versions not stated): gnomAD exomes 0.00001.
gnomAD v4.1: 11 of 1,613,522 alleles (0.00068%); highest among the groups gnomAD compares: Non-Finnish European, 0.00085%; no homozygotes.

Submission:

Labcorp Genetics (formerly Invitae), Labcorp
Classification: Uncertain significance. Last evaluated: 2025-11-17. Review status: criteria provided, single submitter. Criteria: Invitae Variant Classification Sherloc (09022015). Collection method: clinical testing. Allele origin: germline.
Comment: This sequence change replaces histidine, which is basic and polar, with asparagine, which is neutral and polar, at codon 1845 of the KMT2A protein (p.His1845Asn). The frequency data for this variant in the population databases is considered unreliable, as metrics indicate poor data quality at this position in the gnomAD database. This missense change has been observed in individual(s) with primary mediastinal large B-cell lymphoma (PMID: 23457195). ClinVar contains an entry for this variant (Variation ID: 2137258). Invitae Evidence Modeling of protein sequence and biophysical properties (such as structural, functional, and spatial information, amino acid conservation, physicochemical variation, residue mobility, and thermodynamic stability) indicates that this missense variant is not expected to disrupt KMT2A protein function with a negative predictive value of 95%. In summary, the available evidence is currently insufficient to determine the role of this variant in disease. Therefore, it has been classified as a Variant of Uncertain Significance.

Literature cited by the submitters: PubMed 23457195.